The following is an entry in ClinVar:

ClinVar aggregate classification (germline): Likely benign. Review status: criteria provided, single submitter (1 of 4 stars). 2 submissions from 2 submitters: Likely benign (1). 1 of the submissions does not count toward it. Last evaluated 2026-01-12.

Conditions:
GLRA1-related disorder. Also called: GLRA1-related condition.
Hereditary hyperekplexia. Identifiers: Orphanet 3197, MedGen C4084968, MONDO:0021022.

Allele frequency attached by ClinVar (database versions not stated): gnomAD 0.00003; TOPMed 0.00009; 1000 Genomes Project 30x 0.00016.
gnomAD v4.1: 40 of 1,613,374 alleles (0.0025%); highest among the groups gnomAD compares: Admixed American, 0.017%; no homozygotes.

Submissions (2):

Labcorp Genetics (formerly Invitae), Labcorp
Classification: Likely benign for Hereditary hyperekplexia. Last evaluated: 2026-01-12. Review status: criteria provided, single submitter. Criteria: Invitae Variant Classification Sherloc (09022015). Collection method: clinical testing. Allele origin: germline.

PreventionGenetics, part of Exact Sciences
Classification: Likely benign for GLRA1-related condition. Last evaluated: 2019-07-30. Review status: no assertion criteria provided. Collection method: clinical testing. Allele origin: germline. Not counted in ClinVar's aggregate classification.
Comment: This variant is classified as likely benign based on ACMG/AMP sequence variant interpretation guidelines (Richards et al. 2015 PMID: 25741868, with internal and published modifications).

NM_000171.4(GLRA1):c.888C>T (p.Ser296=)

Gene: GLRA1 (glycine receptor alpha 1; minus strand). Cytogenetic location: 5q33.1.
Variant type: single nucleotide variant.
Coding change: c.888C>T on transcript NM_000171.4 (MANE Select); coding-DNA position 888, C replaced by T.
Protein change: p.Ser296=; no amino-acid change (serine 296 retained).
Molecular consequence: synonymous variant.
Genome position (GRCh38, 1-based): chr5:151,851,414, G>A on the plus strand (C>T on the coding strand, the complement: GLRA1 is on the minus strand). VCF-style: chr5-151851414-G-A. GRCh37 (hg19) VCF-style: chr5-151230975-G-A.
Other names: c.888C>T, p.Ser296= (NM_001146040.2); c.639C>T, p.Ser213= (NM_001292000.2).
Identifiers: ClinVar variation 711624 (VCV000711624.13), dbSNP rs192326771, ClinGen allele CA3523594.